The following is an entry in ClinVar:

NM_000574.5(CD55):c.389G>A (p.Arg130His)

Gene: CD55 (CD55 molecule (Cromer blood group); plus strand). Cytogenetic location: 1q32.2.
Variant type: single nucleotide variant.
Coding change: c.389G>A on transcript NM_000574.5 (MANE Select); coding-DNA position 389, G replaced by A.
Protein change: p.Arg130His; replaces arginine 130 with histidine.
Molecular consequence: missense variant. On other transcripts: non-coding transcript variant (1).
Genome position (GRCh38, 1-based): chr1:207,324,661, G>A. VCF-style: chr1-207324661-G-A. GRCh37 (hg19) VCF-style: chr1-207498006-G-A.
Other names: c.389G>A, p.Arg130His (NM_001114752.3, NM_001300902.2, NM_001300903.2 and 1 more transcripts); short protein forms R130H.
Identifiers: ClinVar variation 1016434 (VCV001016434.7), dbSNP rs756646491, ClinGen allele CA1367973.
Genomic context (GRCh38, chr1:207,324,661, plus strand): 5'-AACAGCCTTATATCACTCAGAATTATTTTCCAGTCGGTACTGTTGTGGAATATGAGTGCC[G>A]TCCAGGTTACAGAAGAGAACCTTCTCTATCACCAAAACTAACTTGCCTTCAGAATTTAAA-3'
Protein context (NP_000565.1, residues 120-140): PVGTVVEYEC[Arg130His]PGYRREPSLS

ClinVar aggregate classification (germline): Uncertain significance (1 of 4 stars; one submission).

Allele frequency attached by ClinVar (database versions not stated): TOPMed below 0.00001; ExAC 0.00001; gnomAD 0.00001; gnomAD exomes 0.00001.
gnomAD v4.1: 24 of 1,612,506 alleles (0.0015%); highest among the groups gnomAD compares: Admixed American, 0.0033%; no homozygotes.

Submission:

Labcorp Genetics (formerly Invitae), Labcorp
Classification: Uncertain significance. Last evaluated: 2020-10-09. Review status: criteria provided, single submitter. Criteria: Invitae Variant Classification Sherloc (09022015). Collection method: clinical testing. Allele origin: germline.
Comment: In summary, the available evidence is currently insufficient to determine the role of this variant in disease. Therefore, it has been classified as a Variant of Uncertain Significance. Algorithms developed to predict the effect of missense changes on protein structure and function are either unavailable or do not agree on the potential impact of this missense change (SIFT: "Deleterious"; PolyPhen-2: "Probably Damaging"; Align-GVGD: "Class C0"). This variant has not been reported in the literature in individuals with CD55-related conditions. This variant is present in population databases (rs756646491, ExAC 0.001%). This sequence change replaces arginine with histidine at codon 130 of the CD55 protein (p.Arg130His). The arginine residue is highly conserved and there is a small physicochemical difference between arginine and histidine.